The following is an entry in ClinVar:

NM_172351.3(CD46):c.835C>G (p.Pro279Ala)

Gene: CD46 (CD46 molecule; plus strand). Cytogenetic location: 1q32.2.
Variant type: single nucleotide variant.
Coding change: c.835C>G on transcript NM_172351.3 (MANE Select); coding-DNA position 835, C replaced by G.
Protein change: p.Pro279Ala; replaces proline 279 with alanine.
Molecular consequence: missense variant.
Genome position (GRCh38, 1-based): chr1:207,767,174, C>G. VCF-style: chr1-207767174-C-G. GRCh37 (hg19) VCF-style: chr1-207940519-C-G.
Other names: c.835C>G, p.Pro279Ala (NM_002389.4, NM_153826.4, NM_172350.3 and 8 more transcripts); short protein forms P279A.
Identifiers: ClinVar variation 4291188 (VCV004291188.1).
Genomic context (GRCh38, chr1:207,767,174, plus strand): 5'-GGTTTTTACCTCGATGGCAGCGACACAATTGTCTGTGACAGTAACAGTACTTGGGATCCC[C>G]CAGTTCCAAAGTGTCTTAAAGGTACAAAGGTTATCTTTTTTCTGTCTTGGTTTGTTATTG-3'
Protein context (NP_758861.1, residues 269-289): VCDSNSTWDP[Pro279Ala]VPKCLKVSTS

ClinVar aggregate classification (germline): Uncertain significance (1 of 4 stars; one submission).

Conditions:
Atypical hemolytic-uremic syndrome. Identifiers: Orphanet 2134, MedGen C2931788, MONDO:0016244.

Submission:

Genomenon, Inc
Classification: Uncertain significance for Atypical hemolytic-uremic syndrome. Last evaluated: 2025-10-02. Review status: criteria provided, single submitter. Criteria: Genomenon Sequence Variant Interpretation Standards. Collection method: curation. Allele origin: germline. Affected: no.
Comment: CD46 p.Pro279Ala (c.835C>G) is a missense variant that changes the amino acid at residue 279 from Proline to Alanine. This variant has been reported in the published literature (PMID:10960475). It is absent or not present at a significant frequency in gnomAD. In silico models agree that this variant is not damaging. In conclusion, we classify CD46 p.Pro279Ala (c.835C>G) as a variant of uncertain significance.

Literature cited by the submitters: PubMed 10960475.